The following is an entry in ClinVar:

ClinVar aggregate classification (germline): Benign/Likely benign. Review status: criteria provided, multiple submitters, no conflicts (2 of 4 stars). 4 submissions from 4 submitters: Benign (1); Likely benign (3). Last evaluated 2024-10-08.

Conditions:
Familial cancer of breast. Also called: Hereditary breast cancer; BREAST CANCER, FAMILIAL; hereditary breast carcinoma. Identifiers: Orphanet 227535, MedGen C0346153, MONDO:0016419, OMIM 114480. Disease mechanism: loss of function.
Hereditary cancer-predisposing syndrome. Also called: Tumor predisposition; Neoplastic Syndromes, Hereditary; Hereditary neoplastic syndrome; Hereditary Cancer Syndrome. Identifiers: Orphanet 140162, MedGen C0027672, MeSH D009386, MONDO:0015356.

Submissions (4):

Myriad Genetics, Inc.
Classification: Benign for Familial cancer of breast. Last evaluated: 2024-10-08. Review status: criteria provided, single submitter. Criteria: Myriad Autosomal Dominant, Autosomal Recessive and X-Linked Classification Criteria (2023). Collection method: clinical testing. Allele origin: unknown.
Comment: This variant is considered benign. This variant is a silent/synonymous amino acid change and it is not expected to impact splicing.

Labcorp Genetics (formerly Invitae), Labcorp
Classification: Likely benign for Familial cancer of breast. Last evaluated: 2024-03-27. Review status: criteria provided, single submitter. Criteria: Invitae Variant Classification Sherloc (09022015). Collection method: clinical testing. Allele origin: germline.

Ambry Genetics
Classification: Likely benign for Hereditary cancer-predisposing syndrome. Last evaluated: 2021-01-20. Review status: criteria provided, single submitter. Criteria: Ambry Variant Classification Scheme 2023. Collection method: clinical testing. Allele origin: germline.

GeneDx
Classification: Likely benign. Last evaluated: 2017-09-01. Review status: criteria provided, single submitter. Criteria: GeneDx Variant Classification (06012015). Collection method: clinical testing. Allele origin: germline. Affected: yes.
Comment: This variant is considered likely benign or benign based on one or more of the following criteria: it is a conservative change, it occurs at a poorly conserved position in the protein, it is predicted to be benign by multiple in silico algorithms, and/or has population frequency not consistent with disease.

NM_007194.4(CHEK2):c.1302G>A (p.Val434=)

Gene: CHEK2 (checkpoint kinase 2; minus strand). Cytogenetic location: 22q12.1.
Variant type: single nucleotide variant.
Coding change: c.1302G>A on transcript NM_007194.4 (MANE Select); coding-DNA position 1302, G replaced by A.
Protein change: p.Val434=; no amino-acid change (valine 434 retained).
Molecular consequence: synonymous variant.
Genome position (GRCh38, 1-based): chr22:28,695,200, C>T on the plus strand (G>A on the coding strand, the complement: CHEK2 is on the minus strand). VCF-style: chr22-28695200-C-T. GRCh37 (hg19) VCF-style: chr22-29091188-C-T.
Other names: c.1431G>A, p.Val477= (NM_001005735.3); c.639G>A, p.Val213= (NM_001257387.3); c.1101G>A, p.Val367= (NM_001349956.3); c.1215G>A, p.Val405= (NM_145862.3).
Identifiers: ClinVar variation 415924 (VCV000415924.14), dbSNP rs1060504693, ClinGen allele CA16616552.